The following is an entry in ClinVar:

NM_018723.4(RBFOX1):c.104_105delinsCG (p.Asn35Thr)

Gene: RBFOX1 (RNA binding fox-1 homolog 1; plus strand). Cytogenetic location: 16p13.3.
Variant type: Indel.
Coding change: c.104_105delinsCG on transcript NM_018723.4 (MANE Select); coding-DNA positions 104 to 105, AC replaced by CG.
Protein change: p.Asn35Thr; replaces asparagine 35 with threonine.
Molecular consequence: missense variant.
Genome position (GRCh38, 1-based): chr16:7,518,223-7,518,224, AC replaced by CG. VCF-style: chr16-7518223-AC-CG. GRCh37 (hg19) VCF-style: chr16-7568225-AC-CG.
Other names: c.104_105delinsCG, p.Asn35Thr (NM_001142333.2, NM_001142334.2, NM_001364800.2 and 1 more transcripts); c.233_234delinsCG, p.Asn78Thr (NM_001308117.1, NM_001411047.1, NM_001415891.1 and 5 more transcripts); c.701_702delinsCG, p.Asn234Thr (NM_001415887.1, NM_001415888.1); c.212_213delinsCG, p.Asn71Thr (NM_001415889.1, NM_001415892.1, NM_001415894.1 and 5 more transcripts); c.179_180delinsCG, p.Asn60Thr (NM_001415890.1, NM_001415893.1, NM_001415899.1 and 4 more transcripts); c.164_165delinsCG, p.Asn55Thr (NM_001415896.1, NM_001415904.1, NM_001415906.1 and 4 more transcripts); c.110_111delinsCG, p.Asn37Thr (NM_001415902.1, NM_001415911.1, NM_001415917.1); short protein forms N234T, N37T, N60T, N71T, N35T, N55T, N78T.
Identifiers: ClinVar variation 2873049 (VCV002873049.3), dbSNP rs2548520763, ClinGen allele CA2739266592.
Genomic context (GRCh38, chr16:7,518,223, plus strand): 5'-CCGCTGCCCCTGACACAATGGCTCAGCCTTACGCTTCGGCCCAGTTTGCTCCCCCGCAGA[AC>CG]GGTATCCCCGCGGAATACACGGCCCCTCATCCCCACCCCGCGCCAGAGTACACAGGCCAG-3'
Protein context (NP_061193.2, residues 25-45): YASAQFAPPQ[Asn35Thr]GIPAEYTAPH

ClinVar aggregate classification (germline): Uncertain significance (1 of 4 stars; one submission).

Conditions:
Idiopathic generalized epilepsy. Also called: Generalised epilepsy; EIG. Identifiers: MedGen C0270850, MONDO:0005579, OMIM 600669.

Submission:

Labcorp Genetics (formerly Invitae), Labcorp
Classification: Uncertain significance for Idiopathic generalized epilepsy. Last evaluated: 2023-04-18. Review status: criteria provided, single submitter. Criteria: Invitae Variant Classification Sherloc (09022015). Collection method: clinical testing. Allele origin: germline.
Comment: Information on the frequency of this variant in the gnomAD database is not available, as this variant may be reported differently in the database. In summary, the available evidence is currently insufficient to determine the role of this variant in disease. Therefore, it has been classified as a Variant of Uncertain Significance. An algorithm developed to predict the effect of missense changes on protein structure and function (PolyPhen-2) suggests that this variant is likely to be disruptive. This variant has not been reported in the literature in individuals affected with RBFOX1-related conditions. This sequence change replaces asparagine, which is neutral and polar, with threonine, which is neutral and polar, at codon 55 of the RBFOX1 protein (p.Asn55Thr).